The following is an entry in ClinVar:

NM_000020.3(ACVRL1):c.1263T>G (p.Tyr421Ter)

Gene: ACVRL1 (activin A receptor like type 1; plus strand). Cytogenetic location: 12q13.13.
Variant type: single nucleotide variant.
Coding change: c.1263T>G on transcript NM_000020.3 (MANE Select); coding-DNA position 1263, T replaced by G.
Protein change: p.Tyr421Ter; replaces tyrosine 421 with a stop codon.
Molecular consequence: nonsense.
Genome position (GRCh38, 1-based): chr12:51,919,001, T>G. VCF-style: chr12-51919001-T-G. GRCh37 (hg19) VCF-style: chr12-52312785-T-G.
Other names: c.1263T>G, p.Tyr421Ter (NM_001077401.2, NM_001406487.1, NM_001406488.1 and 1 more transcripts); c.1107T>G, p.Tyr369Ter (NM_001406490.1); c.951T>G, p.Tyr317Ter (NM_001406491.1, NM_001406492.1, NM_001406493.1); c.753T>G, p.Tyr251Ter (NM_001406494.1); c.699T>G, p.Tyr233Ter (NM_001406495.1); short protein forms Y233*, Y251*, Y317*, Y369*, Y421*.
Identifiers: ClinVar variation 4085551 (VCV004085551.8).

ClinVar aggregate classification (germline): Pathogenic (1 of 4 stars; one submission).

Submission:

CeGaT Center for Human Genetics Tuebingen
Classification: Pathogenic. Last evaluated: 2025-07-01. Review status: criteria provided, single submitter. Criteria: CeGaT Center For Human Genetics Tuebingen Variant Classification Criteria Version 2. Collection method: clinical testing. Allele origin: germline. Affected: yes. Observed: 1 variant allele.
Comment: ACVRL1: PVS1, PM2